The following is an entry in ClinVar:

ClinVar aggregate classification (germline): Uncertain significance (1 of 4 stars; one submission).

Conditions:
Familial thoracic aortic aneurysm and aortic dissection (TAAD). Also called: Thoracic aortic aneurysms and dissections. Identifiers: Orphanet 91387, MedGen C4707243, MONDO:0019625.

Submission:

Color Diagnostics, LLC DBA Color Health
Classification: Uncertain significance for Familial thoracic aortic aneurysm and aortic dissection. Last evaluated: 2025-09-22. Review status: criteria provided, single submitter. Criteria: ACMG Guidelines, 2015. Collection method: clinical testing. Allele origin: germline.
Comment: This missense variant replaces serine with cysteine at codon 23 of the MYH11 protein. Computational prediction is inconclusive regarding the impact of this variant on protein structure and function. To our knowledge, functional studies have not been reported for this variant. This variant has not been reported in individuals affected with MYH11-related disorders in the literature. This variant has not been identified in the general population by the Genome Aggregation Database (gnomAD). The available evidence is insufficient to determine the role of this variant in disease conclusively. Therefore, this variant is classified as a Variant of Uncertain Significance.

NM_002474.3(MYH11):c.67A>T (p.Ser23Cys)

Gene: MYH11 (myosin heavy chain 11; minus strand). Cytogenetic location: 16p13.11.
Variant type: single nucleotide variant.
Coding change: c.67A>T on transcript NM_002474.3 (MANE Select); coding-DNA position 67, A replaced by T.
Protein change: p.Ser23Cys; replaces serine 23 with cysteine.
Molecular consequence: missense variant.
Genome position (GRCh38, 1-based): chr16:15,838,186, T>A on the plus strand (A>T on the coding strand, the complement: MYH11 is on the minus strand). VCF-style: chr16-15838186-T-A. GRCh37 (hg19) VCF-style: chr16-15932043-T-A.
Other names: c.67A>T, p.Ser23Cys (NM_001040113.2, NM_001040114.2, NM_022844.3); short protein forms S23C.
Identifiers: ClinVar variation 4756355 (VCV004756355.1).